The following is an entry in ClinVar:

ClinVar aggregate classification (germline): Uncertain significance (1 of 4 stars; one submission).

Conditions:
Seizures, benign familial infantile, 3 (BFIS3). Also called: Familial neonatal seizures; CONVULSIONS, BENIGN FAMILIAL INFANTILE, 3. Identifiers: Orphanet 140927, Orphanet 306, MedGen C1843140, MONDO:0011904, OMIM 607745.
Developmental and epileptic encephalopathy, 11 (DEE11). Also called: Early infantile epileptic encephalopathy 11. Identifiers: Orphanet 1934, MedGen C3150987, MONDO:0013388, OMIM 613721.

Submission:

Labcorp Genetics (formerly Invitae), Labcorp
Classification: Uncertain significance for Seizures, benign familial infantile, 3; Developmental and epileptic encephalopathy, 11. Last evaluated: 2020-01-29. Review status: criteria provided, single submitter. Criteria: Invitae Variant Classification Sherloc (09022015). Collection method: clinical testing. Allele origin: germline.
Comment: This sequence change replaces leucine with isoleucine at codon 377 of the SCN2A protein (p.Leu377Ile). The leucine residue is highly conserved and there is a small physicochemical difference between leucine and isoleucine. This variant is not present in population databases (ExAC no frequency). This variant has not been reported in the literature in individuals with SCN2A-related conditions. Algorithms developed to predict the effect of missense changes on protein structure and function are either unavailable or do not agree on the potential impact of this missense change (SIFT: "Deleterious"; PolyPhen-2: "Probably Damaging"; Align-GVGD: "Class C0"). In summary, the available evidence is currently insufficient to determine the role of this variant in disease. Therefore, it has been classified as a Variant of Uncertain Significance.

NM_001040142.2(SCN2A):c.1129T>A (p.Leu377Ile)

Gene: SCN2A (sodium voltage-gated channel alpha subunit 2; plus strand). Cytogenetic location: 2q24.3.
Variant type: single nucleotide variant.
Coding change: c.1129T>A on transcript NM_001040142.2 (MANE Select); coding-DNA position 1129, T replaced by A.
Protein change: p.Leu377Ile; replaces leucine 377 with isoleucine.
Molecular consequence: missense variant.
Genome position (GRCh38, 1-based): chr2:165,313,714, T>A. VCF-style: chr2-165313714-T-A. GRCh37 (hg19) VCF-style: chr2-166170224-T-A.
Other names: c.1129T>A, p.Leu377Ile (NM_001040143.2, NM_001371246.1, NM_001371247.1 and 1 more transcripts); short protein forms L377I.
Identifiers: ClinVar variation 1025193 (VCV001025193.11), dbSNP rs1697569806, ClinGen allele CA349020956.
Genomic context (GRCh38, chr2:165,313,714, plus strand): 5'-GGTAGAAACCCCAACTATGGCTACACGAGCTTTGACACCTTTAGTTGGGCCTTTTTGTCC[T>A]TATTTCGTCTCATGACTCAAGACTTCTGGGAAAACCTTTATCAACTGGTGAGAACAGATA-3'
Protein context (NP_001035232.1, residues 367-387): FDTFSWAFLS[Leu377Ile]FRLMTQDFWE